The following is an entry in ClinVar:

ClinVar aggregate classification (germline): Uncertain significance (1 of 4 stars; one submission).

Conditions:
Fanconi anemia (FA). Also called: Fanconi's anemia. Identifiers: Orphanet 84, MedGen C0015625, MeSH D005199, MONDO:0019391.

Allele frequency attached by ClinVar (database versions not stated): gnomAD exomes below 0.00001; gnomAD 0.00001; TOPMed 0.00002; ESP Exome Variant Server 0.00008.

Submission:

Labcorp Genetics (formerly Invitae), Labcorp
Classification: Uncertain significance for Fanconi anemia. Last evaluated: 2024-10-29. Review status: criteria provided, single submitter. Criteria: Invitae Variant Classification Sherloc (09022015). Collection method: clinical testing. Allele origin: germline.
Comment: This sequence change replaces lysine, which is basic and polar, with glutamic acid, which is acidic and polar, at codon 480 of the FANCI protein (p.Lys480Glu). This variant is present in population databases (rs149906418, gnomAD 0.01%). This variant has not been reported in the literature in individuals affected with FANCI-related conditions. ClinVar contains an entry for this variant (Variation ID: 2416927). Invitae Evidence Modeling of protein sequence and biophysical properties (such as structural, functional, and spatial information, amino acid conservation, physicochemical variation, residue mobility, and thermodynamic stability) indicates that this missense variant is expected to disrupt FANCI protein function with a positive predictive value of 80%. In summary, the available evidence is currently insufficient to determine the role of this variant in disease. Therefore, it has been classified as a Variant of Uncertain Significance.

NM_001113378.2(FANCI):c.1438A>G (p.Lys480Glu)

Gene: FANCI (FA complementation group I; plus strand). Cytogenetic location: 15q26.1.
Variant type: single nucleotide variant.
Coding change: c.1438A>G on transcript NM_001113378.2 (MANE Select); coding-DNA position 1438, A replaced by G.
Protein change: p.Lys480Glu; replaces lysine 480 with glutamic acid.
Molecular consequence: missense variant.
Genome position (GRCh38, 1-based): chr15:89,281,226, A>G. VCF-style: chr15-89281226-A-G. GRCh37 (hg19) VCF-style: chr15-89824457-A-G.
Other names: c.1159A>G, p.Lys387Glu (NM_001376910.1); c.1438A>G, p.Lys480Glu (NM_001376911.1, NM_018193.3); short protein forms K387E, K480E.
Identifiers: ClinVar variation 2416927 (VCV002416927.5), dbSNP rs149906418, ClinGen allele CA7723026.